The following is an entry in ClinVar:

NM_004360.5(CDH1):c.164-5T>A

Gene: CDH1 (cadherin 1; plus strand). Cytogenetic location: 16q22.1.
Variant type: single nucleotide variant.
Coding change: c.164-5T>A on transcript NM_004360.5 (MANE Select); 5 bases into the intron before coding-DNA position 164, T replaced by A.
Molecular consequence: intron variant.
Genome position (GRCh38, 1-based): chr16:68,801,665, T>A. VCF-style: chr16-68801665-T-A. GRCh37 (hg19) VCF-style: chr16-68835568-T-A.
Other names: c.-1452-5T>A (NM_001317185.2); c.-1656-5T>A (NM_001317186.2); c.164-5T>A (NM_001317184.2).
Identifiers: ClinVar variation 3265138 (VCV003265138.1).

ClinVar aggregate classification (germline): Uncertain significance (1 of 4 stars; one submission).

Conditions:
Hereditary cancer-predisposing syndrome. Also called: Hereditary Cancer Syndrome; Tumor predisposition; Hereditary neoplastic syndrome; Neoplastic Syndromes, Hereditary. Identifiers: Orphanet 140162, MedGen C0027672, MeSH D009386, MONDO:0015356.

Submission:

Ambry Genetics
Classification: Uncertain significance for Hereditary cancer-predisposing syndrome. Last evaluated: 2024-05-18. Review status: criteria provided, single submitter. Criteria: Ambry Variant Classification Scheme 2023. Collection method: clinical testing. Allele origin: germline.
Comment: The c.164-5T>A intronic variant results from a T to A substitution 5 nucleotides upstream from coding exon 3 in the CDH1 gene. This nucleotide position is well conserved in available vertebrate species. In silico splice site analysis predicts that this alteration will result in the creation or strengthening of a novel splice acceptor site; however, direct evidence is insufficient at this time (Ambry internal data). Based on the available evidence, the clinical significance of this variant remains unclear.